The following is an entry in ClinVar:

NM_001298.3(CNGA3):c.952G>A (p.Ala318Thr)

Gene: CNGA3 (cyclic nucleotide gated channel subunit alpha 3; plus strand). Cytogenetic location: 2q11.2.
Variant type: single nucleotide variant.
Coding change: c.952G>A on transcript NM_001298.3 (MANE Select); coding-DNA position 952, G replaced by A.
Protein change: p.Ala318Thr; replaces alanine 318 with threonine.
Molecular consequence: missense variant.
Genome position (GRCh38, 1-based): chr2:98,396,122, G>A. VCF-style: chr2-98396122-G-A. GRCh37 (hg19) VCF-style: chr2-99012585-G-A.
Other names: c.898G>A, p.Ala300Thr (NM_001079878.2); short protein forms A300T, A318T.
Identifiers: ClinVar variation 2734250 (VCV002734250.4), dbSNP rs766331925, ClinGen allele CA1793926.
Genomic context (GRCh38, chr2:98,396,122, plus strand): 5'-CCCAATATGTTCAGGATTGGGAACTTGGTCTTGTACATTCTCATCATCATCCACTGGAAT[G>A]CCTGCATCTACTTTGCCATTTCCAAGTTCATTGGTTTTGGGACAGACTCCTGGGTCTACC-3'
Protein context (NP_001289.1, residues 308-328): LYILIIIHWN[Ala318Thr]CIYFAISKFI

ClinVar aggregate classification (germline): Pathogenic. Review status: criteria provided, multiple submitters, no conflicts (2 of 4 stars). 2 submissions from 2 submitters: Pathogenic (2). Last evaluated 2024-10-31.

Conditions:
CNGA3-related disorders.

Allele frequency attached by ClinVar (database versions not stated): ExAC 0.00001; gnomAD exomes 0.00001.
gnomAD v4.1: 14 of 1,614,210 alleles (0.00087%); highest among the groups gnomAD compares: South Asian, 0.014%; no homozygotes.

Submissions (2):

Labcorp Genetics (formerly Invitae), Labcorp
Classification: Pathogenic. Last evaluated: 2024-10-31. Review status: criteria provided, single submitter. Criteria: Invitae Variant Classification Sherloc (09022015). Collection method: clinical testing. Allele origin: germline.
Comment: This sequence change replaces alanine, which is neutral and non-polar, with threonine, which is neutral and polar, at codon 318 of the CNGA3 protein (p.Ala318Thr). This variant is present in population databases (rs766331925, gnomAD 0.01%). This missense change has been observed in individual(s) with retinal degeneration (PMID: 28418496). It has also been observed to segregate with disease in related individuals. ClinVar contains an entry for this variant (Variation ID: 2734250). Invitae Evidence Modeling of protein sequence and biophysical properties (such as structural, functional, and spatial information, amino acid conservation, physicochemical variation, residue mobility, and thermodynamic stability) indicates that this missense variant is expected to disrupt CNGA3 protein function with a positive predictive value of 95%. For these reasons, this variant has been classified as Pathogenic.

Blueprint Genetics
Classification: Pathogenic for CNGA3-related disorders. Last evaluated: 2023-04-11. Review status: criteria provided, single submitter. Criteria: ACMG Guidelines, 2015. Collection method: clinical testing. Allele origin: germline. Affected: yes. Observed: 1 variant allele.

Literature cited by the submitters: PubMed 28418496 (cited by Labcorp Genetics (formerly Invitae), Labcorp).